The following is an entry in ClinVar:

NM_030787.4(CFHR5):c.683G>C (p.Gly228Ala)

Gene: CFHR5 (complement factor H related 5; plus strand). Cytogenetic location: 1q31.3.
Variant type: single nucleotide variant.
Coding change: c.683G>C on transcript NM_030787.4 (MANE Select); coding-DNA position 683, G replaced by C.
Protein change: p.Gly228Ala; replaces glycine 228 with alanine.
Molecular consequence: missense variant.
Genome position (GRCh38, 1-based): chr1:196,995,792, G>C. VCF-style: chr1-196995792-G-C. GRCh37 (hg19) VCF-style: chr1-196964922-G-C.
Other names: short protein forms G228A.
Identifiers: ClinVar variation 1712441 (VCV001712441.6), dbSNP rs377160543, ClinGen allele CA1307837.

ClinVar aggregate classification (germline): Conflicting classifications of pathogenicity. Review status: criteria provided, conflicting classifications (1 of 4 stars). 4 submissions from 4 submitters: Uncertain significance (2); Likely benign (2). Last evaluated 2026-06-11.

Conditions:
Atypical hemolytic-uremic syndrome. Identifiers: Orphanet 2134, MedGen C2931788, MONDO:0016244.
C3 glomerulonephritis. Also called: C3 GLOMERULOPATHY 3; Nephropathy due to CFHR5 Deficiency. Identifiers: Orphanet 329931, MedGen C4055342, MONDO:0013892, OMIM 614809.
Inborn genetic diseases. Identifiers: MedGen C0950123, MeSH D030342.

Allele frequency attached by ClinVar (database versions not stated): ExAC 0.00002; gnomAD 0.00003; TOPMed 0.00004; gnomAD exomes 0.00005; ESP Exome Variant Server 0.00008.
gnomAD v4.1: 79 of 1,612,554 alleles (0.0049%); highest among the groups gnomAD compares: Non-Finnish European, 0.0064%; no homozygotes.

Submissions (4):

Women's Health and Genetics/Laboratory Corporation of America, LabCorp
Classification: Likely benign. Last evaluated: 2026-06-11. Review status: criteria provided, single submitter. Criteria: LabCorp Variant Classification Summary - May 2015. Collection method: clinical testing. Allele origin: germline.
Comment: Variant summary: CFHR5 c.683G>C (p.Gly228Ala) results in a non-conservative amino acid change in the encoded protein sequence. Algorithms developed to predict the effect of missense changes on protein structure and function are either unavailable or do not agree on the potential impact of this missense change. The variant allele was found at a frequency of 4.9e-05 in 1612554 control chromosomes. The observed variant frequency exceeds the estimated maximal expected allele frequency for disease-causing variants in CFHR5. To our knowledge, no occurrence of c.683G>C in individuals affected with CFHR5-related conditions and no experimental evidence demonstrating its impact on protein function have been reported. ClinVar contains an entry for this variant (Variation ID: 1712441). Based on the evidence outlined above, the variant was classified as likely benign.

Fulgent Genetics
Classification: Uncertain significance for C3 glomerulonephritis. Last evaluated: 2024-04-20. Review status: criteria provided, single submitter. Criteria: ACMG Guidelines, 2015. Collection method: clinical testing. Allele origin: germline.

Ambry Genetics
Classification: Uncertain significance for Inborn genetic diseases. Last evaluated: 2023-03-20. Review status: criteria provided, single submitter. Criteria: Ambry Variant Classification Scheme 2023. Collection method: clinical testing. Allele origin: germline.

Genome Diagnostics Laboratory, The Hospital for Sick Children
Classification: Likely benign for Atypical hemolytic-uremic syndrome. Last evaluated: 2022-07-22. Review status: criteria provided, single submitter. Criteria: ACMG Guidelines, 2015. Collection method: clinical testing. Allele origin: germline.